The following is an entry in ClinVar:

NM_181836.6(TMED7):c.163C>G (p.Gln55Glu)

Genes: TMED7 (transmembrane p24 trafficking protein 7; minus strand), TMED7-TICAM2 (TMED7-TICAM2 readthrough; minus strand). Cytogenetic location: 5q22.3.
Variant type: single nucleotide variant.
Coding change: c.163C>G on transcript NM_181836.6 (MANE Select); coding-DNA position 163, C replaced by G.
Protein change: p.Gln55Glu; replaces glutamine 55 with glutamic acid.
Molecular consequence: missense variant.
Genome position (GRCh38, 1-based): chr5:115,625,630, G>C on the plus strand (C>G on the coding strand, the complement: TMED7 is on the minus strand). VCF-style: chr5-115625630-G-C. GRCh37 (hg19) VCF-style: chr5-114961327-G-C.
Other names: c.163C>G, p.Gln55Glu (NM_001164468.4, NM_001164469.4); short protein forms Q55E.
Identifiers: ClinVar variation 3715357 (VCV003715357.2).

ClinVar aggregate classification (germline): Uncertain significance (1 of 4 stars; one submission).

Submission:

Labcorp Genetics (formerly Invitae), Labcorp
Classification: Uncertain significance. Last evaluated: 2025-11-05. Review status: criteria provided, single submitter. Criteria: Invitae Variant Classification Sherloc (09022015). Collection method: clinical testing. Allele origin: germline.
Comment: This sequence change replaces glutamine, which is neutral and polar, with glutamic acid, which is acidic and polar, at codon 55 of the TMED7 protein (p.Gln55Glu). This variant is not present in population databases (gnomAD no frequency). This variant has not been reported in the literature in individuals affected with TMED7-related conditions. ClinVar contains an entry for this variant (Variation ID: 3715357). An algorithm developed to predict the effect of missense changes on protein structure and function (PolyPhen-2) suggests that this variant is likely to be tolerated. In summary, the available evidence is currently insufficient to determine the role of this variant in disease. Therefore, it has been classified as a Variant of Uncertain Significance.